The following is an entry in ClinVar:

NM_001384910.1(GUCA1A):c.395C>T (p.Ala132Val)

Genes: GUCA1ANB-GUCA1A (GUCA1ANB-GUCA1A readthrough; plus strand), GUCA1A (guanylate cyclase activator 1A; plus strand). Cytogenetic location: 6p21.1.
Variant type: single nucleotide variant.
Coding change: c.395C>T on transcript NM_001384910.1 (MANE Select); coding-DNA position 395, C replaced by T.
Protein change: p.Ala132Val; replaces alanine 132 with valine.
Molecular consequence: missense variant.
Genome position (GRCh38, 1-based): chr6:42,178,845, C>T. VCF-style: chr6-42178845-C-T. GRCh37 (hg19) VCF-style: chr6-42146583-C-T.
Other names: c.395C>T, p.Ala132Val (NM_000409.5, NM_001319061.2, NM_001319062.2); short protein forms A132V.
Identifiers: ClinVar variation 2128662 (VCV002128662.4), dbSNP rs1303514644, ClinGen allele CA364109853.
Genomic context (GRCh38, chr6:42,178,845, plus strand): 5'-CCCTTCTTCCCTCCCAGGCCATTCGCGCCATTAACCCCTGCAGCGATACCACCATGACTG[C>T]AGAGGAGTTCACCGATACAGTGTTCTCCAAGATTGACGTCAACGGGGATGGTGAGGGGGC-3'
Protein context (NP_001371839.1, residues 122-142): INPCSDTTMT[Ala132Val]EEFTDTVFSK

ClinVar aggregate classification (germline): Uncertain significance (1 of 4 stars; one submission).

Allele frequency attached by ClinVar (database versions not stated): gnomAD exomes below 0.00001; TOPMed below 0.00001.

Submission:

Labcorp Genetics (formerly Invitae), Labcorp
Classification: Uncertain significance. Last evaluated: 2022-05-31. Review status: criteria provided, single submitter. Criteria: Invitae Variant Classification Sherloc (09022015). Collection method: clinical testing. Allele origin: germline.
Comment: This sequence change replaces alanine, which is neutral and non-polar, with valine, which is neutral and non-polar, at codon 132 of the GUCA1A protein (p.Ala132Val). This variant is not present in population databases (gnomAD no frequency). This variant has not been reported in the literature in individuals affected with GUCA1A-related conditions. Algorithms developed to predict the effect of missense changes on protein structure and function are either unavailable or do not agree on the potential impact of this missense change (SIFT: "Not Available"; PolyPhen-2: "Benign"; Align-GVGD: "Not Available"). In summary, the available evidence is currently insufficient to determine the role of this variant in disease. Therefore, it has been classified as a Variant of Uncertain Significance.